The following is an entry in ClinVar:

ClinVar aggregate classification (germline): Likely pathogenic (1 of 4 stars; one submission).

Conditions:
Cystic fibrosis (CF). Also called: MUCOVISCIDOSIS. Identifiers: Orphanet 586, MedGen C0010674, MONDO:0009061, OMIM 219700. Disease mechanism: loss of function.

Submission:

Ambry Genetics
Classification: Likely pathogenic for Cystic fibrosis. Last evaluated: 2025-06-05. Review status: criteria provided, single submitter. Criteria: Ambry Variant Classification Scheme 2023. Collection method: clinical testing. Allele origin: germline.
Comment: The c.869+1_869+4delGTAAinsACATTATT variant results from a deletion of GTAA nucleotides and insertion of ACATTATT nucleotides at positions c.869+1 to c.869+4 and involves the canonical splice donor site after coding exon 7 of the CFTR gene. The canonical splice donor site is highly conserved in available vertebrate species. In silico splice site analysis predicts that this alteration will weaken the native splice donor site and will result in the creation or strengthening of a novel splice donor site; however, the exact impact of this alteration on CFTR splicing and function is currently unknown. This variant is considered to be rare based on population cohorts in the Genome Aggregation Database (gnomAD). Alterations that disrupt the canonical splice site are expected to cause aberrant splicing, resulting in an abnormal protein or a transcript that is subject to nonsense-mediated mRNA decay. As such, this alteration is classified as likely pathogenic.

NM_000492.4(CFTR):c.869+1_869+4delinsACATTATT

Gene: CFTR (CF transmembrane conductance regulator; plus strand). Cytogenetic location: 7q31.2.
Variant type: Indel.
Coding change: c.869+1_869+4delinsACATTATT on transcript NM_000492.4 (MANE Select); the canonical splice donor site of the intron after coding-DNA position 869 through 4 bases into the intron after coding-DNA position 869, GTAA replaced by ACATTATT.
Molecular consequence: splice donor variant.
Genome position (GRCh38, 1-based): chr7:117,536,674-117,536,677, GTAA replaced by ACATTATT. VCF-style: chr7-117536674-GTAA-ACATTATT. GRCh37 (hg19) VCF-style: chr7-117176728-GTAA-ACATTATT.
Identifiers: ClinVar variation 4001814 (VCV004001814.1).